The following is an entry in ClinVar:

ClinVar aggregate classification (germline): Uncertain significance. Review status: criteria provided, multiple submitters, no conflicts (2 of 4 stars). 2 submissions from 2 submitters: Uncertain significance (2). Last evaluated 2025-01-17.

Conditions:
Inborn genetic diseases. Identifiers: MedGen C0950123, MeSH D030342.

gnomAD v4.1: 7 of 1,552,708 alleles (0.00045%); highest among the groups gnomAD compares: African/African-American, 0.0014%; no homozygotes.

Submissions (2):

Ambry Genetics
Classification: Uncertain significance for Inborn genetic diseases. Last evaluated: 2025-01-17. Review status: criteria provided, single submitter. Criteria: Ambry Variant Classification Scheme 2023. Collection method: clinical testing. Allele origin: germline.

Labcorp Genetics (formerly Invitae), Labcorp
Classification: Uncertain significance. Last evaluated: 2024-02-19. Review status: criteria provided, single submitter. Criteria: Invitae Variant Classification Sherloc (09022015). Collection method: clinical testing. Allele origin: germline.
Comment: This sequence change replaces arginine, which is basic and polar, with tryptophan, which is neutral and slightly polar, at codon 165 of the NACC1 protein (p.Arg165Trp). The frequency data for this variant in the population databases is considered unreliable, as metrics indicate poor data quality at this position in the gnomAD database. This variant has not been reported in the literature in individuals affected with NACC1-related conditions. Advanced modeling of protein sequence and biophysical properties (such as structural, functional, and spatial information, amino acid conservation, physicochemical variation, residue mobility, and thermodynamic stability) performed at Invitae indicates that this missense variant is not expected to disrupt NACC1 protein function with a negative predictive value of 80%. In summary, the available evidence is currently insufficient to determine the role of this variant in disease. Therefore, it has been classified as a Variant of Uncertain Significance.

NM_052876.4(NACC1):c.493C>T (p.Arg165Trp)

Gene: NACC1 (nucleus accumbens associated 1; plus strand). Cytogenetic location: 19p13.13.
Variant type: single nucleotide variant.
Coding change: c.493C>T on transcript NM_052876.4 (MANE Select); coding-DNA position 493, C replaced by T.
Protein change: p.Arg165Trp; replaces arginine 165 with tryptophan.
Molecular consequence: missense variant.
Genome position (GRCh38, 1-based): chr19:13,135,700, C>T. VCF-style: chr19-13135700-C-T. GRCh37 (hg19) VCF-style: chr19-13246514-C-T.
Other names: c.493C>T (NM_052876.2); short protein forms R165W.
Identifiers: ClinVar variation 3635323 (VCV003635323.3).
Genomic context (GRCh38, chr19:13,135,700, plus strand): 5'-AGCCCCGTGGCGCAGACATCGGGCTGGCCAGCCTGTAGCACCCCGCTGCCCCTCGTGTCG[C>T]GGGTGAAGACGGAGCAGCAGGAGTCGGACTCCGTGCAGTGCATGCCCGTGGCCAAGCGGC-3'
Protein context (NP_443108.1, residues 155-175): ACSTPLPLVS[Arg165Trp]VKTEQQESDS